The following is an entry in ClinVar:

NM_015338.6(ASXL1):c.1408T>A (p.Ser470Thr)

Gene: ASXL1 (ASXL transcriptional regulator 1; plus strand). Cytogenetic location: 20q11.21.
Variant type: single nucleotide variant.
Coding change: c.1408T>A on transcript NM_015338.6 (MANE Select); coding-DNA position 1408, T replaced by A.
Protein change: p.Ser470Thr; replaces serine 470 with threonine.
Molecular consequence: missense variant.
Genome position (GRCh38, 1-based): chr20:32,433,606, T>A. VCF-style: chr20-32433606-T-A. GRCh37 (hg19) VCF-style: chr20-31021409-T-A.
Other names: c.1225T>A, p.Ser409Thr (NM_001363734.1); short protein forms S409T, S470T.
Identifiers: ClinVar variation 4588930 (VCV004588930.1).

ClinVar aggregate classification (germline): Uncertain significance (1 of 4 stars; one submission).

Conditions:
Inborn genetic diseases. Identifiers: MedGen C0950123, MeSH D030342.

gnomAD v4.1: 1 of 1,613,996 alleles (0.000062%); highest among the groups gnomAD compares: Non-Finnish European, 0.000085%; no homozygotes.

Submission:

Ambry Genetics
Classification: Uncertain significance for Inborn genetic diseases. Last evaluated: 2025-12-07. Review status: criteria provided, single submitter. Criteria: Ambry Variant Classification Scheme 2023. Collection method: clinical testing. Allele origin: germline.
Comment: The p.S470T variant (also known as c.1408T>A), located in coding exon 12 of the ASXL1 gene, results from a T to A substitution at nucleotide position 1408. The serine at codon 470 is replaced by threonine, an amino acid with similar properties. This amino acid position is conserved. In addition, this alteration is predicted to be tolerated by in silico analysis. Based on the available evidence, the clinical significance of this variant remains unclear.